The following is an entry in ClinVar:

NM_000126.4(ETFA):c.883-3C>T

Gene: ETFA (electron transfer flavoprotein subunit alpha; minus strand). Cytogenetic location: 15q24.2.
Variant type: single nucleotide variant.
Coding change: c.883-3C>T on transcript NM_000126.4 (MANE Select); 3 bases into the intron before coding-DNA position 883, C replaced by T.
Molecular consequence: intron variant.
Genome position (GRCh38, 1-based): chr15:76,225,932, G>A on the plus strand (C>T on the coding strand, the complement: ETFA is on the minus strand). VCF-style: chr15-76225932-G-A. GRCh37 (hg19) VCF-style: chr15-76518273-G-A.
Other names: c.736-3C>T (NM_001127716.2).
Identifiers: ClinVar variation 989854 (VCV000989854.2), dbSNP rs772701864, ClinGen allele CA7673561.

ClinVar aggregate classification (germline): Uncertain significance. Review status: criteria provided, single submitter (1 of 4 stars). 2 submissions from 2 submitters: Uncertain significance (1). 1 of the submissions does not count toward it. Last evaluated 2026-04-13.

Conditions:
Multiple acyl-CoA dehydrogenase deficiency (MADD). Also called: Glutaric aciduria, type 2; Glutaric acidemia type II; GA 2; ETHYLMALONIC-ADIPICACIDURIA; GA II; Glutaric Acidemia type 2. Identifiers: Orphanet 26791, MedGen C0268596, MONDO:0009282, OMIM 231680.

Allele frequency attached by ClinVar (database versions not stated): gnomAD 0.00003; gnomAD exomes 0.00001; TOPMed 0.00003; ExAC 0.00001.
gnomAD v4.1: 11 of 1,591,264 alleles (0.00069%); highest among the groups gnomAD compares: African/African-American, 0.015%; no homozygotes.

Submissions (2):

Greenwood Genetic Center Diagnostic Laboratories, Greenwood Genetic Center
Classification: Uncertain significance. Last evaluated: 2026-04-13. Review status: criteria provided, single submitter. Criteria: ACMG Guidelines, 2015. Collection method: clinical testing. Allele origin: germline.
Comment: PM2, BP4

Natera, Inc.
Classification: Uncertain significance for Glutaric aciduria type 2. Last evaluated: 2020-10-20. Review status: no assertion criteria provided. Collection method: clinical testing. Allele origin: germline. Not counted in ClinVar's aggregate classification.